The following is an entry in ClinVar:

ClinVar aggregate classification (germline): Benign/Likely benign. Review status: criteria provided, multiple submitters, no conflicts (2 of 4 stars). 4 submissions from 4 submitters: Benign (1); Likely benign (3). Last evaluated 2025-01-07.

Conditions:
Hereditary nonpolyposis colorectal neoplasms. Identifiers: MedGen C0009405, MeSH D003123.
Hereditary cancer-predisposing syndrome. Also called: Tumor predisposition; Hereditary Cancer Syndrome; Hereditary neoplastic syndrome; Neoplastic Syndromes, Hereditary. Identifiers: Orphanet 140162, MedGen C0027672, MeSH D009386, MONDO:0015356.
Lynch syndrome 5 (LYNCH5). Also called: Hereditary non-polyposis colorectal cancer, type 5; Colorectal cancer, hereditary nonpolyposis, type 5. Identifiers: Orphanet 144, MedGen C1833477, MONDO:0013710, OMIM 614350. Disease mechanism: loss of function.

gnomAD v4.1: 1 of 1,614,042 alleles (0.000062%); highest among the groups gnomAD compares: South Asian, 0.0011%; no homozygotes.

Submissions (4):

Myriad Genetics, Inc.
Classification: Benign for Lynch syndrome 5. Last evaluated: 2025-01-07. Review status: criteria provided, single submitter. Criteria: Myriad Autosomal Dominant, Autosomal Recessive and X-Linked Classification Criteria (2023). Collection method: clinical testing. Allele origin: unknown.
Comment: This variant is considered benign. This variant is a silent/synonymous amino acid change and it is not expected to impact splicing.

Labcorp Genetics (formerly Invitae), Labcorp
Classification: Likely benign for Hereditary nonpolyposis colorectal neoplasms. Last evaluated: 2023-12-11. Review status: criteria provided, single submitter. Criteria: Invitae Variant Classification Sherloc (09022015). Collection method: clinical testing. Allele origin: germline.

Color Diagnostics, LLC DBA Color Health
Classification: Likely benign for Hereditary cancer-predisposing syndrome. Last evaluated: 2022-02-02. Review status: criteria provided, single submitter. Criteria: ACMG Guidelines, 2015. Collection method: clinical testing. Allele origin: germline.

Ambry Genetics
Classification: Likely benign for Hereditary cancer-predisposing syndrome. Last evaluated: 2016-11-22. Review status: criteria provided, single submitter. Criteria: Ambry Variant Classification Scheme 2023. Collection method: clinical testing. Allele origin: germline.

NM_000179.3(MSH6):c.3462C>A (p.Ala1154=)

Gene: MSH6 (mutS homolog 6; plus strand). Cytogenetic location: 2p16.3.
Variant type: single nucleotide variant.
Coding change: c.3462C>A on transcript NM_000179.3 (MANE Select); coding-DNA position 3462, C replaced by A.
Protein change: p.Ala1154=; no amino-acid change (alanine 1154 retained).
Molecular consequence: synonymous variant.
Genome position (GRCh38, 1-based): chr2:47,804,933, C>A. VCF-style: chr2-47804933-C-A. GRCh37 (hg19) VCF-style: chr2-48032072-C-A.
Other names: c.3072C>A, p.Ala1024= (NM_001281492.2); c.2556C>A, p.Ala852= (NM_001281493.2, NM_001281494.2).
Identifiers: ClinVar variation 485875 (VCV000485875.17), dbSNP rs1553332163, ClinGen allele CA425997203.